The following is an entry in ClinVar:

NM_002439.5(MSH3):c.1695C>A (p.Asp565Glu)

Gene: MSH3 (mutS homolog 3; plus strand). Cytogenetic location: 5q14.1.
Variant type: single nucleotide variant.
Coding change: c.1695C>A on transcript NM_002439.5 (MANE Select); coding-DNA position 1695, C replaced by A.
Protein change: p.Asp565Glu; replaces aspartic acid 565 with glutamic acid.
Molecular consequence: missense variant.
Genome position (GRCh38, 1-based): chr5:80,744,547, C>A. VCF-style: chr5-80744547-C-A. GRCh37 (hg19) VCF-style: chr5-80040366-C-A.
Other names: short protein forms D565E.
Identifiers: ClinVar variation 2586070 (VCV002586070.3), dbSNP rs1743679783, ClinGen allele CA360274709.

ClinVar aggregate classification (germline): Uncertain significance. Review status: criteria provided, multiple submitters, no conflicts (2 of 4 stars). 2 submissions from 2 submitters: Uncertain significance (2). Last evaluated 2025-11-21.

Conditions:
Hereditary cancer-predisposing syndrome. Also called: Hereditary neoplastic syndrome; Tumor predisposition; Hereditary Cancer Syndrome; Neoplastic Syndromes, Hereditary. Identifiers: Orphanet 140162, MedGen C0027672, MeSH D009386, MONDO:0015356.

Submissions (2):

Labcorp Genetics (formerly Invitae), Labcorp
Classification: Uncertain significance. Last evaluated: 2025-11-21. Review status: criteria provided, single submitter. Criteria: Invitae Variant Classification Sherloc (09022015). Collection method: clinical testing. Allele origin: germline.
Comment: This sequence change replaces aspartic acid, which is acidic and polar, with glutamic acid, which is acidic and polar, at codon 565 of the MSH3 protein (p.Asp565Glu). This variant is not present in population databases (gnomAD no frequency). This variant has not been reported in the literature in individuals affected with MSH3-related conditions. ClinVar contains an entry for this variant (Variation ID: 2586070). An algorithm developed to predict the effect of missense changes on protein structure and function (PolyPhen-2) suggests that this variant is likely to be disruptive. In summary, the available evidence is currently insufficient to determine the role of this variant in disease. Therefore, it has been classified as a Variant of Uncertain Significance.

Ambry Genetics
Classification: Uncertain significance for Hereditary cancer-predisposing syndrome. Last evaluated: 2023-07-27. Review status: criteria provided, single submitter. Criteria: Ambry Variant Classification Scheme 2023. Collection method: clinical testing. Allele origin: germline.
Comment: The p.D565E variant (also known as c.1695C>A), located in coding exon 12 of the MSH3 gene, results from a C to A substitution at nucleotide position 1695. The aspartic acid at codon 565 is replaced by glutamic acid, an amino acid with highly similar properties. This amino acid position is conserved. In addition, this alteration is predicted to be deleterious by in silico analysis. Since supporting evidence is limited at this time, the clinical significance of this alteration remains unclear.